The following is an entry in ClinVar:

ClinVar aggregate classification (germline): Uncertain significance (1 of 4 stars; one submission).

Conditions:
Deficiency of ribose-5-phosphate isomerase. Also called: Ribose-5-P isomerase deficiency. Identifiers: Orphanet 440706, MedGen C1291609, MONDO:0012073, OMIM 608611.

Submission:

Victorian Clinical Genetics Services, Murdoch Childrens Research Institute
Classification: Uncertain significance for Deficiency of ribose-5-phosphate isomerase. Last evaluated: 2026-02-20. Review status: criteria provided, single submitter. Criteria: ACMG Guidelines, 2015. Collection method: clinical testing. Allele origin: germline. Affected: yes.
Comment: This variant is classified as VUS-3A. Evidence in support of pathogenic classification: Variant is present in gnomAD <0.01 for a recessive condition (v4: 17 heterozygote(s), 0 homozygote(s)); Missense variant predicted to be damaging by in silico tool(s) or highly conserved with a major amino acid change. Additional information: Variant is predicted to result in a missense amino acid change from Gly to Ser; This variant is heterozygous; This gene is associated with autosomal recessive disease; This variant has no previous evidence of pathogenicity; No published evidence of segregation with disease has been identified for this variant; No published functional evidence has been identified for this variant; No comparable missense variants have previous evidence for pathogenicity; Variant is located in the annotated ribose 5-phosphate isomerase A domain (DECIPHER). - Loss of function is a known mechanism of disease in this gene and is associated with ribose 5-phosphate isomerase deficiency (MIM#608611); Inheritance information for this variant is not currently available in this individual.

NM_144563.3(RPIA):c.529G>A (p.Gly177Ser)

Gene: RPIA (ribose 5-phosphate isomerase A; plus strand). Cytogenetic location: 2p11.2.
Variant type: single nucleotide variant.
Coding change: c.529G>A on transcript NM_144563.3 (MANE Select); coding-DNA position 529, G replaced by A.
Protein change: p.Gly177Ser; replaces glycine 177 with serine.
Molecular consequence: missense variant.
Genome position (GRCh38, 1-based): chr2:88,735,670, G>A. VCF-style: chr2-88735670-G-A. GRCh37 (hg19) VCF-style: chr2-89035187-G-A.
Other names: short protein forms G177S.
Identifiers: ClinVar variation 4879697 (VCV004879697.1).
Genomic context (GRCh38, chr2:88,735,670, plus strand): 5'-TTAGTTCCCAAACTGAGATTTTTGTCTTACTCCTGTGTTCCTTTGCTTCTTTCCTGCAGA[G>A]GCTGCCTGACCCAGGAGAAGATTGTGGCTGGCTATGCTAGTCGCTTCATCGTGATCGCTG-3'
Protein context (NP_653164.2, residues 167-187): ADLNLIKGGG[Gly177Ser]CLTQEKIVAG